The following is an entry in ClinVar:

ClinVar aggregate classification (germline): Likely benign. Review status: criteria provided, single submitter (1 of 4 stars). 2 submissions from 2 submitters: Likely benign (1). 1 of the submissions does not count toward it. Last evaluated 2023-03-23.

Conditions:
Hereditary cancer-predisposing syndrome. Also called: Neoplastic Syndromes, Hereditary; Hereditary Cancer Syndrome; Tumor predisposition; Hereditary neoplastic syndrome. Identifiers: Orphanet 140162, MedGen C0027672, MeSH D009386, MONDO:0015356.

Submissions (2):

University of Washington Department of Laboratory Medicine, University of Washington
Classification: Likely benign for Hereditary cancer-predisposing syndrome. Last evaluated: 2023-03-23. Review status: criteria provided, single submitter. Criteria: Dines et al. (Genet Med. 2020). Collection method: curation. Allele origin: germline.
Comment: Missense variant in a coldspot region where missense variants are very unlikely to be pathogenic (PMID:31911673).

BRCA2 exon 11 coldspot. Reclassification based on statistical prior probability.

Genetic Services Laboratory, University of Chicago
Classification: Uncertain significance. Last evaluated: 2022-05-02. Review status: no assertion criteria provided. Collection method: clinical testing. Allele origin: germline. Affected: no. Not counted in ClinVar's aggregate classification.
Comment: DNA sequence analysis of the BRCA2 gene demonstrated a deletion and insertion of two base pairs in exon 11, c.6187_6188delinsAA. This deletion/insertion is predicted to result in a missense change, p.Gly2063Lys. This deletion/insertion does not appear to have been previously described in individuals with BRCA2 -related disorders. The c.6187_6188delinsAA sequence change has not been described in the population databases such as ExAC and gnomAD. The p.Gly2063Lys change affects a highly conserved amino acid residue located in a domain of the BRCA2 protein that is known to be functional. The p.Gly2063Lys substitution appears to be deleterious using several in-silico pathogenicity prediction tools (SIFT, PolyPhen2, Align GVGD).The functional significance of this sequence change is not known at present and its contribution to this individual's disease phenotype cannot definitively be determined.

NM_000059.4(BRCA2):c.6187_6188delinsAA (p.Gly2063Lys)

Gene: BRCA2 (BRCA2 DNA repair associated; plus strand). Cytogenetic location: 13q13.1.
Variant type: Indel.
Coding change: c.6187_6188delinsAA on transcript NM_000059.4 (MANE Select); coding-DNA positions 6187 to 6188, GG replaced by AA.
Protein change: p.Gly2063Lys; replaces glycine 2063 with lysine.
Molecular consequence: missense variant.
Genome position (GRCh38, 1-based): chr13:32,340,542-32,340,543, GG replaced by AA. VCF-style: chr13-32340542-GG-AA. GRCh37 (hg19) VCF-style: chr13-32914679-GG-AA.
Other names: c.6187_6188delGGinsAA, p.Gly2063Lys (NM_000059.3, NM_001406719.1, NM_001406720.1); short protein forms G2063K.
Identifiers: ClinVar variation 2443084 (VCV002443084.3), dbSNP rs2548532757, ClinGen allele CA2580087861.